The following is an entry in ClinVar:

ClinVar aggregate classification (germline): Uncertain significance. Review status: criteria provided, multiple submitters, no conflicts (2 of 4 stars). 4 submissions from 4 submitters: Uncertain significance (4). Last evaluated 2025-11-03.

Conditions:
Megacystis-microcolon-intestinal hypoperistalsis syndrome 1. Identifiers: MedGen C5542316, MONDO:0100354, OMIM 249210.
Aortic aneurysm, familial thoracic 7 (AAT7). Also called: AORTIC DISSECTION, FAMILIAL, WITH OR WITHOUT AORTIC ANEURYSM. Identifiers: MedGen C3151077, MONDO:0013418, OMIM 613780.
Familial thoracic aortic aneurysm and aortic dissection (TAAD). Also called: Thoracic aortic aneurysms and dissections. Identifiers: Orphanet 91387, MedGen C4707243, MONDO:0019625.

Allele frequency attached by ClinVar (database versions not stated): ExAC 0.00003; gnomAD exomes 0.00003; ESP Exome Variant Server 0.00023; TOPMed 0.00023.
gnomAD v4.1: 40 of 1,613,808 alleles (0.0025%); highest among the groups gnomAD compares: African/African-American, 0.044%; no homozygotes.

Submissions (4):

Labcorp Genetics (formerly Invitae), Labcorp
Classification: Uncertain significance for Aortic aneurysm, familial thoracic 7. Last evaluated: 2025-11-03. Review status: criteria provided, single submitter. Criteria: Invitae Variant Classification Sherloc (09022015). Collection method: clinical testing. Allele origin: germline.
Comment: This sequence change replaces arginine, which is basic and polar, with cysteine, which is neutral and slightly polar, at codon 876 of the MYLK protein (p.Arg876Cys). This variant is present in population databases (rs369503342, gnomAD 0.04%). This variant has not been reported in the literature in individuals affected with MYLK-related conditions. ClinVar contains an entry for this variant (Variation ID: 851490). Invitae Evidence Modeling of protein sequence and biophysical properties (such as structural, functional, and spatial information, amino acid conservation, physicochemical variation, residue mobility, and thermodynamic stability) indicates that this missense variant is not expected to disrupt MYLK protein function with a negative predictive value of 80%. In summary, the available evidence is currently insufficient to determine the role of this variant in disease. Therefore, it has been classified as a Variant of Uncertain Significance.

Ambry Genetics
Classification: Uncertain significance for Familial thoracic aortic aneurysm and aortic dissection. Last evaluated: 2024-03-28. Review status: criteria provided, single submitter. Criteria: Ambry Variant Classification Scheme 2023. Collection method: clinical testing. Allele origin: germline.
Comment: The p.R876C variant (also known as c.2626C>T), located in coding exon 15 of the MYLK gene, results from a C to T substitution at nucleotide position 2626. The arginine at codon 876 is replaced by cysteine, an amino acid with highly dissimilar properties. This amino acid position is well conserved in available vertebrate species. In addition, the in silico prediction for this alteration is inconclusive. Based on the available evidence, the clinical significance of this alteration remains unclear.

GeneDx
Classification: Uncertain significance. Last evaluated: 2021-11-30. Review status: criteria provided, single submitter. Criteria: GeneDx Variant Classification Process June 2021. Collection method: clinical testing. Allele origin: germline. Affected: yes.
Comment: Has not been previously published as pathogenic or benign to our knowledge; At the protein level, in silico analysis supports that this missense variant has a deleterious effect on protein structure/function; At the RNA level, in silico analysis suggests this variant may impact gene splicing. In the absence of RNA/functional studies, the actual effect of this sequence change is unknown.; Reported in ClinVar as a variant of uncertain significance (ClinVar Variant ID# 851490; Landrum et al., 2016)

Fulgent Genetics
Classification: Uncertain significance for Megacystis-microcolon-intestinal hypoperistalsis syndrome 1; Aortic aneurysm, familial thoracic 7. Last evaluated: 2021-09-07. Review status: criteria provided, single submitter. Criteria: ACMG Guidelines, 2015. Collection method: clinical testing. Allele origin: unknown.

NM_053025.4(MYLK):c.2626C>T (p.Arg876Cys)

Gene: MYLK (myosin light chain kinase; minus strand). Cytogenetic location: 3q21.1.
Variant type: single nucleotide variant.
Coding change: c.2626C>T on transcript NM_053025.4 (MANE Select); coding-DNA position 2626, C replaced by T.
Protein change: p.Arg876Cys; replaces arginine 876 with cysteine.
Molecular consequence: missense variant.
Genome position (GRCh38, 1-based): chr3:123,700,842, G>A on the plus strand (C>T on the coding strand, the complement: MYLK is on the minus strand). VCF-style: chr3-123700842-G-A. GRCh37 (hg19) VCF-style: chr3-123419689-G-A.
Other names: c.2098C>T, p.Arg700Cys (NM_001321309.2); c.2419C>T, p.Arg807Cys (NM_053026.4, NM_053028.4); c.2626C>T, p.Arg876Cys (NM_053027.4); short protein forms R700C, R876C, R807C.
Identifiers: ClinVar variation 851490 (VCV000851490.16), dbSNP rs369503342, ClinGen allele CA068791.